The following is an entry in ClinVar:

ClinVar aggregate classification (germline): Uncertain significance (1 of 4 stars; one submission).

Submission:

Mayo Clinic Laboratories, Mayo Clinic
Classification: Uncertain significance. Last evaluated: 2024-04-03. Review status: criteria provided, single submitter. Criteria: ACMG Guidelines, 2015. Collection method: clinical testing. Allele origin: germline. Observed: 1 variant allele.
Comment: BP5, PM2_moderate

NM_014208.3(DSPP):c.628A>C (p.Thr210Pro)

Genes: DMP1-AS1 (DMP1 and DSPP antisense RNA 1; minus strand), DSPP (dentin sialophosphoprotein; plus strand). Cytogenetic location: 4q22.1.
Variant type: single nucleotide variant.
Coding change: c.628A>C on transcript NM_014208.3 (MANE Select); coding-DNA position 628, A replaced by C.
Protein change: p.Thr210Pro; replaces threonine 210 with proline.
Molecular consequence: missense variant.
Genome position (GRCh38, 1-based): chr4:87,612,814, A>C. VCF-style: chr4-87612814-A-C. GRCh37 (hg19) VCF-style: chr4-88533966-A-C.
Other names: p.Thr210Pro; short protein forms T210P.
Identifiers: ClinVar variation 3379546 (VCV003379546.1).